The following is an entry in ClinVar:

NM_001999.4(FBN2):c.4604A>G (p.Glu1535Gly)

Gene: FBN2 (fibrillin 2; minus strand). Cytogenetic location: 5q23.3.
Variant type: single nucleotide variant.
Coding change: c.4604A>G on transcript NM_001999.4 (MANE Select); coding-DNA position 4604, A replaced by G.
Protein change: p.Glu1535Gly; replaces glutamic acid 1535 with glycine.
Molecular consequence: missense variant.
Genome position (GRCh38, 1-based): chr5:128,318,262, T>C on the plus strand (A>G on the coding strand, the complement: FBN2 is on the minus strand). VCF-style: chr5-128318262-T-C. GRCh37 (hg19) VCF-style: chr5-127653954-T-C.
Other names: short protein forms E1535G.
Identifiers: ClinVar variation 5009868 (VCV005009868.1).
Genomic context (GRCh38, chr5:128,318,262, plus strand): 5'-TCATAGCGACCAGGCGTGTTGACACATAGGCCATTGACACAGTTTATAGGATCTGCACAC[T>C]CATCAATATCTAGGAGAAGCATTTAAAATGCCCAGGTTACCATTTTTACTTTTTCTGTGC-3'
Protein context (NP_001990.2, residues 1525-1545): RTGGNCTDID[Glu1535Gly]CADPINCVNG

ClinVar aggregate classification (germline): Uncertain significance (1 of 4 stars; one submission).

Submission:

GeneDx
Classification: Uncertain significance. Last evaluated: 2026-02-19. Review status: criteria provided, single submitter. Criteria: GeneDx Variant Classification Process June 2021. Collection method: clinical testing. Allele origin: germline.
Comment: Not observed at significant frequency in large population cohorts (gnomAD); In silico analysis supports that this missense variant has a deleterious effect on protein structure/function; Has not been previously published as pathogenic or benign to our knowledge